The following is an entry in ClinVar:

NM_024809.5(TCTN2):c.1312+1G>C

Gene: TCTN2 (tectonic family member 2; plus strand). Cytogenetic location: 12q24.31.
Variant type: single nucleotide variant.
Coding change: c.1312+1G>C on transcript NM_024809.5 (MANE Select); the canonical splice donor site of the intron after coding-DNA position 1312, G replaced by C.
Molecular consequence: splice donor variant.
Genome position (GRCh38, 1-based): chr12:123,695,298, G>C. VCF-style: chr12-123695298-G-C. GRCh37 (hg19) VCF-style: chr12-124179845-G-C.
Other names: c.1177+1G>C (NM_001410989.1); c.1309+1G>C (NM_001143850.3).
Identifiers: ClinVar variation 2950823 (VCV002950823.3), dbSNP rs868710719, ClinGen allele CA245165781.

ClinVar aggregate classification (germline): Likely pathogenic (1 of 4 stars; one submission).

Conditions:
Joubert syndrome. Also called: CEREBELLOPARENCHYMAL DISORDER IV; JOUBERT-BOLTSHAUSER SYNDROME; Familial aplasia of the vermis. Identifiers: Orphanet 475, MedGen C5979921, MONDO:0018772.
Meckel-Gruber syndrome. Also called: DYSENCEPHALIA SPLANCHNOCYSTICA; GRUBER SYNDROME; Dysencephalia splachnocystica. Identifiers: Orphanet 564, MedGen C0265215, MONDO:0018921.

Submission:

Labcorp Genetics (formerly Invitae), Labcorp
Classification: Likely pathogenic for Joubert syndrome; Meckel-Gruber syndrome. Last evaluated: 2023-11-24. Review status: criteria provided, single submitter. Criteria: Invitae Variant Classification Sherloc (09022015). Collection method: clinical testing. Allele origin: germline.
Comment: This sequence change affects a donor splice site in intron 11 of the TCTN2 gene. It is expected to disrupt RNA splicing. Variants that disrupt the donor or acceptor splice site typically lead to a loss of protein function (PMID: 16199547), and loss-of-function variants in TCTN2 are known to be pathogenic (PMID: 21565611). This variant is not present in population databases (gnomAD no frequency). This variant has not been reported in the literature in individuals affected with TCTN2-related conditions. Algorithms developed to predict the effect of sequence changes on RNA splicing suggest that this variant may disrupt the consensus splice site. In summary, the currently available evidence indicates that the variant is pathogenic, but additional data are needed to prove that conclusively. Therefore, this variant has been classified as Likely Pathogenic.

Literature cited by the submitters: PubMed 16199547; PubMed 21565611.